The following is an entry in ClinVar:

ClinVar aggregate classification (germline): Likely benign (0 of 4 stars; one submission).

Conditions:
PPARG-related disorder. Also called: PPARG-related disorders; PPARG-related condition.

Submission:

PreventionGenetics, part of Exact Sciences
Classification: Likely benign for PPARG-related condition. Last evaluated: 2023-05-11. Review status: no assertion criteria provided. Collection method: clinical testing. Allele origin: germline.
Comment: This variant is classified as likely benign based on ACMG/AMP sequence variant interpretation guidelines (Richards et al. 2015 PMID: 25741868, with internal and published modifications).

NM_138711.6(PPARG):c.405A>G (p.Arg135=)

Gene: PPARG (peroxisome proliferator activated receptor gamma; plus strand). Cytogenetic location: 3p25.2.
Variant type: single nucleotide variant.
Coding change: c.405A>G on transcript NM_138711.6 (MANE Select); coding-DNA position 405, A replaced by G.
Protein change: p.Arg135=; no amino-acid change (arginine 135 retained).
Molecular consequence: synonymous variant. On other transcripts: 5 prime UTR variant (1).
Genome position (GRCh38, 1-based): chr3:12,392,628, A>G. VCF-style: chr3-12392628-A-G. GRCh37 (hg19) VCF-style: chr3-12434127-A-G.
Other names: c.405A>G, p.Arg135= (NM_001330615.4, NM_001354666.3, NM_001354667.3 and 6 more transcripts); c.495A>G, p.Arg165= (NM_001354668.2, NM_001374265.1, NM_015869.5); c.-23A>G (NM_001354669.2); c.411A>G, p.Arg137= (NM_001354670.2, NM_001374266.1).
Identifiers: ClinVar variation 3356818 (VCV003356818.1).